The following is an entry in ClinVar:

ClinVar aggregate classification (germline): Pathogenic (1 of 4 stars; one submission).

Conditions:
Nemaline myopathy 2 (NEM2). Also called: Nemaline myopathy 2, autosomal recessive. Identifiers: MedGen C1850569, MONDO:0009725, OMIM 256030.

Submission:

Labcorp Genetics (formerly Invitae), Labcorp
Classification: Pathogenic for Nemaline myopathy 2. Last evaluated: 2022-04-05. Review status: criteria provided, single submitter. Criteria: Invitae Variant Classification Sherloc (09022015). Collection method: clinical testing. Allele origin: germline.
Comment: This variant has not been reported in the literature in individuals affected with NEB-related conditions. For these reasons, this variant has been classified as Pathogenic. This variant is not present in population databases (gnomAD no frequency). This sequence change creates a premature translational stop signal (p.Lys3343*) in the NEB gene. It is expected to result in an absent or disrupted protein product. Loss-of-function variants in NEB are known to be pathogenic (PMID: 25205138).

Literature cited by the submitters: PubMed 25205138.

NM_001164508.2(NEB):c.10026_10027insTG (p.Lys3343Ter)

Gene: NEB (nebulin; minus strand). Cytogenetic location: 2q23.3.
Variant type: Insertion.
Coding change: c.10026_10027insTG on transcript NM_001164508.2 (MANE Select); coding-DNA positions 10026 to 10027, TG inserted.
Protein change: p.Lys3343Ter; replaces lysine 3343 with a stop codon.
Molecular consequence: nonsense.
Genome position: GRCh38 VCF-style: chr2-151627639-T-TCA. GRCh37 (hg19) VCF-style: chr2-152484153-T-TCA.
Other names: c.10026_10027insTG, p.Lys3343Ter (NM_001164507.2, NM_001271208.2); c.9297_9298insTG, p.Lys3100Ter (NM_004543.5); short protein forms K3343*, K3100*.
Identifiers: ClinVar variation 2121754 (VCV002121754.4), dbSNP rs2552236675, ClinGen allele CA2580064109.